The following is an entry in ClinVar:

ClinVar aggregate classification (germline): Uncertain significance. Review status: criteria provided, multiple submitters, no conflicts (2 of 4 stars). 4 submissions from 4 submitters: Uncertain significance (4). Last evaluated 2026-07-06.

Conditions:
Malignant hyperthermia, susceptibility to, 1 (MHS1). Also called: Malignant hyperthermia suceptibility 1; RYR1-Related Malignant Hyperthermia Susceptibility; Anesthesia related hyperthermia; Malignant hyperpyrexia; Fulminating hyperpyrexia; Pharmacogenic myopathy. Identifiers: Orphanet 423, MedGen C2930980, MONDO:0007783, OMIM 145600.
Inborn genetic diseases. Identifiers: MedGen C0950123, MeSH D030342.
RYR1-related disorder. Also called: RYR1-related disorders; RYR1-related condition. Identifiers: MedGen CN239331.

Allele frequency attached by ClinVar (database versions not stated): TOPMed below 0.00001; gnomAD exomes below 0.00001; gnomAD 0.00001.
gnomAD v4.1: 5 of 1,613,504 alleles (0.00031%); highest among the groups gnomAD compares: Non-Finnish European, 0.00042%; no homozygotes.

Submissions (4):

Ambry Genetics
Classification: Uncertain significance for Inborn genetic diseases. Last evaluated: 2026-07-06. Review status: criteria provided, single submitter. Criteria: Ambry Variant Classification Scheme 2023. Collection method: clinical testing. Allele origin: germline.
Comment: The p.P1780A variant (also known as c.5338C>G), located in coding exon 34 of the RYR1 gene, results from a C to G substitution at nucleotide position 5338. The proline at codon 1780 is replaced by alanine, an amino acid with highly similar properties. This amino acid position is conserved. In addition, this alteration is predicted to be tolerated by in silico analysis. Based on the available evidence, the clinical significance of this variant remains unclear.

Labcorp Genetics (formerly Invitae), Labcorp
Classification: Uncertain significance for RYR1-related disorder. Last evaluated: 2025-12-11. Review status: criteria provided, single submitter. Criteria: Invitae Variant Classification Sherloc (09022015). Collection method: clinical testing. Allele origin: germline.
Comment: This sequence change replaces proline, which is neutral and non-polar, with alanine, which is neutral and non-polar, at codon 1780 of the RYR1 protein (p.Pro1780Ala). This variant is present in population databases (no rsID available, gnomAD 0.0009%). This variant has not been reported in the literature in individuals affected with RYR1-related conditions. ClinVar contains an entry for this variant (Variation ID: 1695619). Invitae Evidence Modeling of protein sequence and biophysical properties (such as structural, functional, and spatial information, amino acid conservation, physicochemical variation, residue mobility, and thermodynamic stability) indicates that this missense variant is not expected to disrupt RYR1 protein function with a negative predictive value of 80%. In summary, the available evidence is currently insufficient to determine the role of this variant in disease. Therefore, it has been classified as a Variant of Uncertain Significance.

Color Diagnostics, LLC DBA Color Health
Classification: Uncertain significance for Malignant hyperthermia, susceptibility to, 1. Last evaluated: 2025-05-25. Review status: criteria provided, single submitter. Criteria: ACMG Guidelines, 2015. Collection method: clinical testing. Allele origin: germline.
Comment: This missense variant replaces proline with alanine at codon 1780 of the RYR1 protein. Computational prediction suggests that this variant may not impact protein structure and function. To our knowledge, functional studies have not been reported for this variant. This variant has not been reported in individuals affected with RYR1-related disorders in the literature. This variant has been identified in 1/244888 chromosomes in the general population by the Genome Aggregation Database (gnomAD). The available evidence is insufficient to determine the role of this variant in disease conclusively. Therefore, this variant is classified as a Variant of Uncertain Significance.

GeneDx
Classification: Uncertain significance. Last evaluated: 2024-09-21. Review status: criteria provided, single submitter. Criteria: GeneDx Variant Classification Process June 2021. Collection method: clinical testing. Allele origin: germline. Affected: yes.
Comment: Not observed at significant frequency in large population cohorts (gnomAD); In silico analysis supports that this missense variant has a deleterious effect on protein structure/function; Has not been previously published as pathogenic or benign to our knowledge

NM_000540.3(RYR1):c.5338C>G (p.Pro1780Ala)

Gene: RYR1 (ryanodine receptor 1; plus strand). Cytogenetic location: 19q13.2.
Variant type: single nucleotide variant.
Coding change: c.5338C>G on transcript NM_000540.3 (MANE Select); coding-DNA position 5338, C replaced by G.
Protein change: p.Pro1780Ala; replaces proline 1780 with alanine.
Molecular consequence: missense variant.
Genome position (GRCh38, 1-based): chr19:38,485,993, C>G. VCF-style: chr19-38485993-C-G. GRCh37 (hg19) VCF-style: chr19-38976633-C-G.
Other names: c.5338C>G, p.Pro1780Ala (NM_001042723.2); short protein forms P1780A.
Identifiers: ClinVar variation 1695619 (VCV001695619.6), dbSNP rs1417223289, ClinGen allele CA405654749.